The following is an entry in ClinVar:

NM_002775.5(HTRA1):c.1282C>G (p.Leu428Val)

Gene: HTRA1 (HtrA serine peptidase 1; plus strand). Cytogenetic location: 10q26.13.
Variant type: single nucleotide variant.
Coding change: c.1282C>G on transcript NM_002775.5 (MANE Select); coding-DNA position 1282, C replaced by G.
Protein change: p.Leu428Val; replaces leucine 428 with valine.
Molecular consequence: missense variant.
Genome position (GRCh38, 1-based): chr10:122,514,198, C>G. VCF-style: chr10-122514198-C-G. GRCh37 (hg19) VCF-style: chr10-124273714-C-G.
Other names: short protein forms L428V.
Identifiers: ClinVar variation 2018353 (VCV002018353.4), dbSNP rs750454049, ClinGen allele CA5726145.

ClinVar aggregate classification (germline): Uncertain significance (1 of 4 stars; one submission).

Allele frequency attached by ClinVar (database versions not stated): ExAC 0.00001.
gnomAD v4.1: 1 of 1,613,754 alleles (0.000062%); highest among the groups gnomAD compares: Non-Finnish European, 0.000085%; no homozygotes.

Submission:

Labcorp Genetics (formerly Invitae), Labcorp
Classification: Uncertain significance. Last evaluated: 2021-12-20. Review status: criteria provided, single submitter. Criteria: Invitae Variant Classification Sherloc (09022015). Collection method: clinical testing. Allele origin: germline.
Comment: This sequence change replaces leucine, which is neutral and non-polar, with valine, which is neutral and non-polar, at codon 428 of the HTRA1 protein (p.Leu428Val). This variant is present in population databases (rs750454049, gnomAD 0.003%). In summary, the available evidence is currently insufficient to determine the role of this variant in disease. Therefore, it has been classified as a Variant of Uncertain Significance. Algorithms developed to predict the effect of missense changes on protein structure and function are either unavailable or do not agree on the potential impact of this missense change (SIFT: "Deleterious"; PolyPhen-2: "Possibly Damaging"; Align-GVGD: "Class C0"). This variant has not been reported in the literature in individuals affected with HTRA1-related conditions.